The following is an entry in ClinVar:

NM_001041.4(SI):c.3521-1G>T

Gene: SI (sucrase-isomaltase; minus strand). Cytogenetic location: 3q26.1.
Variant type: single nucleotide variant.
Coding change: c.3521-1G>T on transcript NM_001041.4 (MANE Select); the canonical splice acceptor site of the intron before coding-DNA position 3521, G replaced by T.
Molecular consequence: splice acceptor variant.
Genome position (GRCh38, 1-based): chr3:165,017,874, C>A on the plus strand (G>T on the coding strand, the complement: SI is on the minus strand). VCF-style: chr3-165017874-C-A. GRCh37 (hg19) VCF-style: chr3-164735662-C-A.
Identifiers: ClinVar variation 2783675 (VCV002783675.4), dbSNP rs757893762, ClinGen allele CA2690230.
Genomic context (GRCh38, chr3:165,017,874, plus strand): 5'-AATCCAAGATCCCTCCAACTGTACGGTAAGTTAGAGCAGGAGTTGGCTGGAATGTAACAT[C>A]TGGAAATCCAAAATAACATCCCATTTTCATCTATGTATACTAGTTTATGAAAAAGTCACA-3'

ClinVar aggregate classification (germline): Likely pathogenic. Review status: criteria provided, multiple submitters, no conflicts (2 of 4 stars). 2 submissions from 2 submitters: Likely pathogenic (2). Last evaluated 2023-12-28.

Conditions:
Sucrase-isomaltase deficiency (CSID). Also called: SI DEFICIENCY; Deficiency of isomaltase; Congenital sucrose isomaltose malabsorption; Sucrose isomaltose enzyme deficiency. Identifiers: Orphanet 35122, MedGen C1283620, MONDO:0009114, OMIM 222900.

Allele frequency attached by ClinVar (database versions not stated): gnomAD exomes below 0.00001; gnomAD 0.00001; TOPMed 0.00001; ExAC 0.00003.
gnomAD v4.1: 7 of 1,608,864 alleles (0.00044%); highest among the groups gnomAD compares: Non-Finnish European, 0.0006%; no homozygotes.

Submissions (2):

Fulgent Genetics
Classification: Likely pathogenic for Sucrase-isomaltase deficiency. Last evaluated: 2023-12-28. Review status: criteria provided, single submitter. Criteria: ACMG Guidelines, 2015. Collection method: clinical testing. Allele origin: germline.

Labcorp Genetics (formerly Invitae), Labcorp
Classification: Likely pathogenic. Last evaluated: 2023-07-25. Review status: criteria provided, single submitter. Criteria: Invitae Variant Classification Sherloc (09022015). Collection method: clinical testing. Allele origin: germline.
Comment: This sequence change affects an acceptor splice site in intron 29 of the SI gene. It is expected to disrupt RNA splicing. Variants that disrupt the donor or acceptor splice site typically lead to a loss of protein function (PMID: 16199547), and loss-of-function variants in SI are known to be pathogenic (PMID: 16329100, 23103650, 25452324). This variant is present in population databases (rs757893762, gnomAD 0.002%). In summary, the currently available evidence indicates that the variant is pathogenic, but additional data are needed to prove that conclusively. Therefore, this variant has been classified as Likely Pathogenic. Algorithms developed to predict the effect of sequence changes on RNA splicing suggest that this variant may disrupt the consensus splice site. This variant has not been reported in the literature in individuals affected with SI-related conditions.

Literature cited by the submitters: PubMed 16199547 (cited by Labcorp Genetics (formerly Invitae), Labcorp); PubMed 16329100 (cited by Labcorp Genetics (formerly Invitae), Labcorp); PubMed 23103650 (cited by Labcorp Genetics (formerly Invitae), Labcorp); PubMed 25452324 (cited by Labcorp Genetics (formerly Invitae), Labcorp).